The following is an entry in ClinVar:

ClinVar aggregate classification (germline): Uncertain significance (1 of 4 stars; one submission).

Allele frequency attached by ClinVar (database versions not stated): gnomAD 0.00002; TOPMed 0.00002.
gnomAD v4.1: 11 of 1,613,912 alleles (0.00068%); highest among the groups gnomAD compares: Admixed American, 0.0033%; no homozygotes.

Submission:

Labcorp Genetics (formerly Invitae), Labcorp
Classification: Uncertain significance. Last evaluated: 2021-09-15. Review status: criteria provided, single submitter. Criteria: Invitae Variant Classification Sherloc (09022015). Collection method: clinical testing. Allele origin: germline.
Comment: In summary, the available evidence is currently insufficient to determine the role of this variant in disease. Therefore, it has been classified as a Variant of Uncertain Significance. This premature translational stop signal has been observed in individual(s) with cone-rod dystrophy (PMID: 26103963). This variant is not present in population databases (ExAC no frequency). This sequence change creates a premature translational stop signal (p.Arg81*) in the SEMA4A gene. It is expected to result in an absent or disrupted protein product. However, the current clinical and genetic evidence is not sufficient to establish whether loss-of-function variants in SEMA4A cause disease.

Literature cited by the submitters: PubMed 26103963.

NM_022367.4(SEMA4A):c.241C>T (p.Arg81Ter)

Gene: SEMA4A (semaphorin 4A; plus strand). Cytogenetic location: 1q22.
Variant type: single nucleotide variant.
Coding change: c.241C>T on transcript NM_022367.4 (MANE Select); coding-DNA position 241, C replaced by T.
Protein change: p.Arg81Ter; replaces arginine 81 with a stop codon.
Molecular consequence: nonsense. On other transcripts: 5 prime UTR variant (4).
Genome position (GRCh38, 1-based): chr1:156,156,515, C>T. VCF-style: chr1-156156515-C-T. GRCh37 (hg19) VCF-style: chr1-156126306-C-T.
Other names: c.241C>T, p.Arg81Ter (NM_001193300.2, NM_001193301.2, NM_001370567.1); c.-57C>T (NM_001193302.2, NM_001370568.1); c.-284C>T (NM_001370569.1, NM_001370571.1); short protein forms R81*.
Identifiers: ClinVar variation 1403075 (VCV001403075.6), dbSNP rs745715951, ClinGen allele CA342834667.
Genomic context (GRCh38, chr1:156,156,515, plus strand): 5'-CTCCAGGATTTTGACACTCTGCTCCTGAGTGGTGATGGAAATACTCTCTACGTGGGGGCT[C>T]GAGAAGCCATTCTGGCCTTGGATATCCAGGATCCAGGGGTCCCCAGGCTAAAGAACATGG-3'